The following is an entry in ClinVar:

ClinVar aggregate classification (germline): Benign/Likely benign. Review status: criteria provided, multiple submitters, no conflicts (2 of 4 stars). 5 submissions from 5 submitters: Benign (3); Likely benign (2). Last evaluated 2025-10-29.

Conditions:
Hereditary spherocytosis type 1. Also called: ANK1-Related Spherocytosis; Spherocytosis type 1. Identifiers: Orphanet 822, MedGen C2674218, MONDO:0008447, OMIM 182900.

Allele frequency attached by ClinVar (database versions not stated): ESP Exome Variant Server 0.00031; TOPMed 0.00044; 1000 Genomes Project 30x 0.00062; 1000 Genomes Project 0.00080; gnomAD exomes 0.00143 and 0.00265; gnomAD 0.00239 and 0.00253; ExAC 0.00267.
gnomAD v4.1: 2,450 of 1,614,168 alleles (0.15%); highest among the groups gnomAD compares: Non-Finnish European, 0.084%; 25 homozygotes.

Submissions (5):

Labcorp Genetics (formerly Invitae), Labcorp
Classification: Benign. Last evaluated: 2025-10-29. Review status: criteria provided, single submitter. Criteria: Invitae Variant Classification Sherloc (09022015). Collection method: clinical testing. Allele origin: germline.

Mayo Clinic Laboratories, Mayo Clinic
Classification: Likely benign. Last evaluated: 2025-09-04. Review status: criteria provided, single submitter. Criteria: ACMG Guidelines, 2015. Collection method: clinical testing. Allele origin: germline. Observed: 5 variant alleles.
Comment: BS1, BS2, BP4

CeGaT Center for Human Genetics Tuebingen
Classification: Likely benign. Last evaluated: 2025-04-01. Review status: criteria provided, single submitter. Criteria: CeGaT Center For Human Genetics Tuebingen Variant Classification Criteria Version 2. Collection method: clinical testing. Allele origin: germline. Affected: yes. Observed: 4 variant alleles.
Comment: ANK1: BP4, BS2

ARUP Laboratories, Molecular Genetics and Genomics, ARUP Laboratories
Classification: Benign for Hereditary spherocytosis type 1. Last evaluated: 2025-01-31. Review status: criteria provided, single submitter. Criteria: ARUP Molecular Germline Variant Investigation Process 2024. Collection method: clinical testing. Allele origin: germline.

Genome-Nilou Lab
Classification: Benign for Hereditary spherocytosis type 1. Last evaluated: 2021-12-05. Review status: criteria provided, single submitter. Criteria: ACMG Guidelines, 2015. Collection method: clinical testing. Allele origin: germline. Affected: no.

NM_000037.4(ANK1):c.981C>T (p.Tyr327=)

Gene: ANK1 (ankyrin 1; minus strand). Cytogenetic location: 8p11.21.
Variant type: single nucleotide variant.
Coding change: c.981C>T on transcript NM_000037.4 (MANE Select); coding-DNA position 981, C replaced by T.
Protein change: p.Tyr327=; no amino-acid change (tyrosine 327 retained).
Molecular consequence: synonymous variant.
Genome position (GRCh38, 1-based): chr8:41,719,787, G>A on the plus strand (C>T on the coding strand, the complement: ANK1 is on the minus strand). VCF-style: chr8-41719787-G-A. GRCh37 (hg19) VCF-style: chr8-41577305-G-A.
Other names: p.Tyr327=; c.1080C>T, p.Tyr360= (NM_001142446.2); c.981C>T, p.Tyr327= (NM_020475.3, NM_020476.3, NM_020477.3).
Identifiers: ClinVar variation 713601 (VCV000713601.46), dbSNP rs61758867, ClinGen allele CA4728774.
Genomic context (GRCh38, chr8:41,719,787, plus strand): 5'-GTGGGCAGCCACGTGGAGTGGGGTCAGGTGGTCCAGGGTGATGTCGTCTATCTCTGCGTC[G>A]TATTGCAACAGGAGCCGGACACAGTCGAGGTGGTCTCCCTGAGCCGCCATGTGAATTGGG-3'
Protein context (NP_000028.3, residues 317-337): HLDCVRLLLQ[Tyr327=]DAEIDDITLD